The following is an entry in ClinVar:

NM_000548.5(TSC2):c.226-20G>A

Gene: TSC2 (TSC complex subunit 2; plus strand). Cytogenetic location: 16p13.3.
Variant type: single nucleotide variant.
Coding change: c.226-20G>A on transcript NM_000548.5 (MANE Select); 20 bases into the intron before coding-DNA position 226, G replaced by A.
Molecular consequence: intron variant.
Genome position (GRCh38, 1-based): chr16:2,053,322, G>A. VCF-style: chr16-2053322-G-A. GRCh37 (hg19) VCF-style: chr16-2103323-G-A.
Other names: c.226-20G>A (NM_001114382.3, NM_021055.3, NM_001370405.1 and 3 more transcripts); c.-2+2836G>A (NM_001318831.2); c.79-20G>A (NM_001318829.2); c.259-20G>A (NM_001318832.2); c.226-974G>A (NM_001318827.2).
Identifiers: ClinVar variation 1650142 (VCV001650142.9), dbSNP rs753647216, ClinGen allele CA037998.
Genomic context (GRCh38, chr16:2,053,322, plus strand): 5'-GCTCACGGCACTGCTCCAGTTGCCGGGGCCAGGGTTCTTGGAGAGCACATCCTCACCGCT[G>A]TCCCCTCTGCTGGTGACAGCACGCAGTGGAAGCACTCTGGAAGGCGGTCGCGGATCTGTT-3'

ClinVar aggregate classification (germline): Likely benign. Review status: criteria provided, multiple submitters, no conflicts (2 of 4 stars). 2 submissions from 2 submitters: Likely benign (2). Last evaluated 2025-08-24.

Conditions:
Tuberous sclerosis 2 (TSC2). Identifiers: Orphanet 805, MedGen C1860707, MONDO:0013199, OMIM 613254.

Allele frequency attached by ClinVar (database versions not stated): ExAC 0.00004.
gnomAD v4.1: 5 of 1,563,268 alleles (0.00032%); highest among the groups gnomAD compares: Non-Finnish European, 0.00043%; no homozygotes.

Submissions (2):

Labcorp Genetics (formerly Invitae), Labcorp
Classification: Likely benign for Tuberous sclerosis 2. Last evaluated: 2025-08-24. Review status: criteria provided, single submitter. Criteria: Invitae Variant Classification Sherloc (09022015). Collection method: clinical testing. Allele origin: germline.

Myriad Genetics, Inc.
Classification: Likely benign for Tuberous sclerosis 2. Last evaluated: 2025-05-02. Review status: criteria provided, single submitter. Criteria: Myriad Autosomal Dominant, Autosomal Recessive and X-Linked Classification Criteria (2023). Collection method: clinical testing. Allele origin: unknown.
Comment: This variant is considered likely benign. This variant is intronic and is not expected to impact mRNA splicing.